The following is an entry in ClinVar:

NM_001365999.1(SZT2):c.2528T>C (p.Met843Thr)

Gene: SZT2 (SZT2 subunit of KICSTOR complex; plus strand). Cytogenetic location: 1p34.2.
Variant type: single nucleotide variant.
Coding change: c.2528T>C on transcript NM_001365999.1 (MANE Select); coding-DNA position 2528, T replaced by C.
Protein change: p.Met843Thr; replaces methionine 843 with threonine.
Molecular consequence: missense variant.
Genome position (GRCh38, 1-based): chr1:43,424,840, T>C. VCF-style: chr1-43424840-T-C. GRCh37 (hg19) VCF-style: chr1-43890511-T-C.
Other names: c.2528T>C, p.Met843Thr (NM_015284.4); short protein forms M843T.
Identifiers: ClinVar variation 663354 (VCV000663354.5), dbSNP rs747523743, ClinGen allele CA808716.

ClinVar aggregate classification (germline): Uncertain significance. Review status: criteria provided, multiple submitters, no conflicts (2 of 4 stars). 3 submissions from 3 submitters: Uncertain significance (3). Last evaluated 2023-04-11.

Conditions:
Developmental and epileptic encephalopathy, 18 (DEE18). Also called: Early infantile epileptic encephalopathy 18. Identifiers: Orphanet 369894, MedGen C3809624, MONDO:0014201, OMIM 615476.
Inborn genetic diseases. Identifiers: MedGen C0950123, MeSH D030342.

Allele frequency attached by ClinVar (database versions not stated): gnomAD 0.00003 and 0.00004; TOPMed 0.00005; gnomAD exomes 0.00006; ExAC 0.00009.
gnomAD v4.1: 85 of 1,613,980 alleles (0.0053%); highest among the groups gnomAD compares: Non-Finnish European, 0.0071%; no homozygotes.

Submissions (3):

Genome-Nilou Lab
Classification: Uncertain significance for Developmental and epileptic encephalopathy, 18. Last evaluated: 2023-04-11. Review status: criteria provided, single submitter. Criteria: ACMG Guidelines, 2015. Collection method: clinical testing. Allele origin: germline. Affected: no.

Labcorp Genetics (formerly Invitae), Labcorp
Classification: Uncertain significance. Last evaluated: 2022-08-22. Review status: criteria provided, single submitter. Criteria: Invitae Variant Classification Sherloc (09022015). Collection method: clinical testing. Allele origin: germline.
Comment: This sequence change replaces methionine, which is neutral and non-polar, with threonine, which is neutral and polar, at codon 843 of the SZT2 protein (p.Met843Thr). This variant is present in population databases (rs747523743, gnomAD 0.01%). This variant has not been reported in the literature in individuals affected with SZT2-related conditions. ClinVar contains an entry for this variant (Variation ID: 663354). Algorithms developed to predict the effect of missense changes on protein structure and function are either unavailable or do not agree on the potential impact of this missense change (SIFT: "Tolerated"; PolyPhen-2: "Possibly Damaging"; Align-GVGD: "Class C25"). In summary, the available evidence is currently insufficient to determine the role of this variant in disease. Therefore, it has been classified as a Variant of Uncertain Significance.

Ambry Genetics
Classification: Uncertain significance for Inborn genetic diseases. Last evaluated: 2021-06-04. Review status: criteria provided, single submitter. Criteria: Ambry Variant Classification Scheme 2023. Collection method: clinical testing. Allele origin: germline.